The following is an entry in ClinVar:

NM_019066.5(MAGEL2):c.1886C>A (p.Pro629His)

Gene: MAGEL2 (MAGE family member L2; minus strand). Cytogenetic location: 15q11.2.
Variant type: single nucleotide variant.
Coding change: c.1886C>A on transcript NM_019066.5 (MANE Select); coding-DNA position 1886, C replaced by A.
Protein change: p.Pro629His; replaces proline 629 with histidine.
Molecular consequence: missense variant.
Genome position (GRCh38, 1-based): chr15:23,645,857, G>T on the plus strand (C>A on the coding strand, the complement: MAGEL2 is on the minus strand). VCF-style: chr15-23645857-G-T. GRCh37 (hg19) VCF-style: chr15-23891004-G-T.
Other names: short protein forms P629H.
Identifiers: ClinVar variation 2579983 (VCV002579983.1), dbSNP rs2503979120, ClinGen allele CA391333111.

ClinVar aggregate classification (germline): Uncertain significance (1 of 4 stars; one submission).

Submission:

GeneDx
Classification: Uncertain significance. Last evaluated: 2023-03-12. Review status: criteria provided, single submitter. Criteria: GeneDx Variant Classification Process June 2021. Collection method: clinical testing. Allele origin: germline. Affected: yes.
Comment: Not observed at significant frequency in large population cohorts (gnomAD); In silico analysis supports that this missense variant has a deleterious effect on protein structure/function; Has not been previously published as pathogenic or benign to our knowledge